The following is an entry in ClinVar:

NM_000390.4(CHM):c.856C>T (p.Gln286Ter)

Gene: CHM (CHM Rab escort protein; minus strand). Cytogenetic location: Xq21.2.
Variant type: single nucleotide variant.
Coding change: c.856C>T on transcript NM_000390.4 (MANE Select); coding-DNA position 856, C replaced by T.
Protein change: p.Gln286Ter; replaces glutamine 286 with a stop codon.
Molecular consequence: nonsense.
Genome position (GRCh38, 1-based): chrX:85,957,939, G>A on the plus strand (C>T on the coding strand, the complement: CHM is on the minus strand). VCF-style: chrX-85957939-G-A. GRCh37 (hg19) VCF-style: chrX-85212944-G-A.
Other names: c.412C>T, p.Gln138Ter (NM_001320959.1, NM_001362517.1, NM_001362518.2 and 1 more transcripts); short protein forms Q138*, Q286*.
Identifiers: ClinVar variation 1213973 (VCV001213973.8), dbSNP rs2147665799, ClinGen allele CA413785846.

ClinVar aggregate classification (germline): Pathogenic. Review status: criteria provided, multiple submitters, no conflicts (2 of 4 stars). 2 submissions from 2 submitters: Pathogenic (2). Last evaluated 2021-09-21.

Conditions:
Choroideremia. Also called: Chorioretinal scalloped atrophy. Identifiers: Orphanet 180, MedGen C0008525, MONDO:0010557, OMIM 303100, HP:0001139.

Submissions (2):

Labcorp Genetics (formerly Invitae), Labcorp
Classification: Pathogenic. Last evaluated: 2021-09-21. Review status: criteria provided, single submitter. Criteria: Invitae Variant Classification Sherloc (09022015). Collection method: clinical testing. Allele origin: germline.
Comment: This sequence change creates a premature translational stop signal (p.Gln286*) in the CHM gene. It is expected to result in an absent or disrupted protein product. Loss-of-function variants in CHM are known to be pathogenic (PMID: 9067750, 23811034). For these reasons, this variant has been classified as Pathogenic. This variant has not been reported in the literature in individuals affected with CHM-related conditions. This variant is not present in population databases (ExAC no frequency).

DBGen Ocular Genomics
Classification: Pathogenic for Choroideremia. Last evaluated: 2021-06-02. Review status: criteria provided, single submitter. Criteria: ACMG Guidelines, 2015. Collection method: clinical testing. Allele origin: germline. Affected: yes. Observed: 1 variant allele.

Literature cited by the submitters: PubMed 9067750 (cited by Labcorp Genetics (formerly Invitae), Labcorp); PubMed 23811034 (cited by Labcorp Genetics (formerly Invitae), Labcorp).